The following is an entry in ClinVar:

NM_005544.3(IRS1):c.2358T>C (p.His786=)

Gene: IRS1 (insulin receptor substrate 1; minus strand). Cytogenetic location: 2q36.3.
Variant type: single nucleotide variant.
Coding change: c.2358T>C on transcript NM_005544.3 (MANE Select); coding-DNA position 2358, T replaced by C.
Protein change: p.His786=; no amino-acid change (histidine 786 retained).
Molecular consequence: synonymous variant.
Genome position (GRCh38, 1-based): chr2:226,796,381, A>G on the plus strand (T>C on the coding strand, the complement: IRS1 is on the minus strand). VCF-style: chr2-226796381-A-G. GRCh37 (hg19) VCF-style: chr2-227661097-A-G.
Identifiers: ClinVar variation 774416 (VCV000774416.30), dbSNP rs137866175, ClinGen allele CA2143113.
Genomic context (GRCh38, chr2:226,796,381, plus strand): 5'-ATCATCTGCTGTTGCAGCATAGAGAAGGCGACCAGAGCTAGTGGAAAGGCGGAGGTGCTG[A>G]TGCCGGGCACCCTCCTCCGGCTCCCCGGGGCGCTGGGTGTGCTTAAAGGATCTTGGCAAT-3'
Protein context (NP_005535.1, residues 776-796): RPGEPEEGAR[His786=]QHLRLSTSSG

ClinVar aggregate classification (germline): Benign/Likely benign. Review status: criteria provided, multiple submitters, no conflicts (2 of 4 stars). 4 submissions from 4 submitters: Benign (2); Likely benign (2). Last evaluated 2023-01-01.

Conditions:
Type 2 diabetes mellitus. Also called: Type II diabetes mellitus. Identifiers: MedGen C0011860, MeSH D003924, MONDO:0005148, OMIM 125853, HP:0005978.

Allele frequency attached by ClinVar (database versions not stated): 1000 Genomes Project 0.00160; 1000 Genomes Project 30x 0.00187; TOPMed 0.00403; gnomAD 0.00432 and 0.00443; gnomAD exomes 0.00432; ExAC 0.00454; ESP Exome Variant Server 0.00630.
gnomAD v4.1: 10,866 of 1,613,336 alleles (0.67%); highest among the groups gnomAD compares: Non-Finnish European, 0.87%; 59 homozygotes.

Submissions (4):

CeGaT Center for Human Genetics Tuebingen
Classification: Likely benign. Last evaluated: 2023-01-01. Review status: criteria provided, single submitter. Criteria: CeGaT Center For Human Genetics Tuebingen Variant Classification Criteria Version 2. Collection method: clinical testing. Allele origin: germline. Affected: yes. Observed: 1 variant allele.
Comment: IRS1: BP4, BP7, BS2

Fulgent Genetics
Classification: Likely benign for Type 2 diabetes mellitus. Last evaluated: 2022-01-06. Review status: criteria provided, single submitter. Criteria: ACMG Guidelines, 2015. Collection method: clinical testing. Allele origin: unknown.

Labcorp Genetics (formerly Invitae), Labcorp
Classification: Benign. Last evaluated: 2019-12-31. Review status: criteria provided, single submitter. Criteria: Invitae Variant Classification Sherloc (09022015). Collection method: clinical testing. Allele origin: germline.

Breakthrough Genomics
Classification: Benign. Review status: criteria provided, single submitter. Criteria: ACMG Guidelines, 2015. Collection method: not provided. Allele origin: germline. Inheritance: Autosomal dominant inheritance. Affected: yes.